The following is an entry in ClinVar:

ClinVar aggregate classification (germline): Conflicting classifications of pathogenicity. Review status: criteria provided, conflicting classifications (1 of 4 stars). 6 submissions from 5 submitters: Uncertain significance (5); Likely benign (1). Last evaluated 2026-01-21.

Conditions:
Autosomal recessive ataxia, Beauce type. Also called: ATAXIA, RECESSIVE, OF BEAUCE; Spinocerebellar ataxia, autosomal recessive 8; SYNE1-Related Autosomal Recessive Cerebellar Ataxia; SYNE1 Deficiency. Identifiers: Orphanet 88644, MedGen C1853116, MONDO:0012549, OMIM 610743.
Emery-Dreifuss muscular dystrophy 4, autosomal dominant (EDMD4). Also called: EMERY-DREIFUSS MUSCULAR DYSTROPHY 4 WITH VARIABLE FEATURES. Identifiers: Orphanet 261, MedGen C2751807, MONDO:0013071, OMIM 612998.

Allele frequency attached by ClinVar (database versions not stated): gnomAD 0.00003; gnomAD exomes 0.00005; TOPMed 0.00005; ExAC 0.00007.
gnomAD v4.1: 111 of 1,614,066 alleles (0.0069%); highest among the groups gnomAD compares: Non-Finnish European, 0.0089%; no homozygotes.

Submissions (6):

Labcorp Genetics (formerly Invitae), Labcorp
Classification: Uncertain significance for Emery-Dreifuss muscular dystrophy 4, autosomal dominant; Autosomal recessive ataxia, Beauce type. Last evaluated: 2026-01-21. Review status: criteria provided, single submitter. Criteria: Invitae Variant Classification Sherloc (09022015). Collection method: clinical testing. Allele origin: germline.
Comment: This sequence change replaces arginine, which is basic and polar, with tryptophan, which is neutral and slightly polar, at codon 6156 of the SYNE1 protein (p.Arg6156Trp). This variant is present in population databases (rs201873107, gnomAD 0.01%). This missense change has been observed in individual(s) with clinical features of SYNE1-related conditions (PMID: 37813462). This variant is also known as p.Arg6227Trp . ClinVar contains an entry for this variant (Variation ID: 284132). An algorithm developed to predict the effect of missense changes on protein structure and function (PolyPhen-2) suggests that this variant is likely to be disruptive. In summary, the available evidence is currently insufficient to determine the role of this variant in disease. Therefore, it has been classified as a Variant of Uncertain Significance.

Revvity Omics, Revvity
Classification: Uncertain significance. Last evaluated: 2024-03-18. Review status: criteria provided, single submitter. Criteria: ACMG Guidelines, 2015. Collection method: clinical testing. Allele origin: germline.

CeGaT Center for Human Genetics Tuebingen
Classification: Uncertain significance. Last evaluated: 2019-07-01. Review status: criteria provided, single submitter. Criteria: CeGaT Center For Human Genetics Tuebingen Variant Classification Criteria Version 2. Collection method: clinical testing. Allele origin: germline. Affected: yes. Observed: 1 variant allele.

Eurofins Ntd Llc (ga)
Classification: Uncertain significance. Last evaluated: 2018-08-20. Review status: criteria provided, single submitter. Criteria: EGL ClinVar v180209 classification definitions. Collection method: clinical testing. Allele origin: germline. Observed: 2 variant alleles, 2 heterozygotes.

Illumina Laboratory Services, Illumina
Classification: Likely benign for Emery-Dreifuss muscular dystrophy 4, autosomal dominant. Last evaluated: 2018-01-12. Review status: criteria provided, single submitter. Criteria: ICSL Variant Classification Criteria 13 December 2019. Collection method: clinical testing. Allele origin: germline.
Comment: This variant was observed in the ICSL laboratory as part of a predisposition screen in an ostensibly healthy population. It had not been previously curated by ICSL or reported in the Human Gene Mutation Database (HGMD: prior to June 1st, 2018), and was therefore a candidate for classification through an automated scoring system. Utilizing variant allele frequency, disease prevalence and penetrance estimates, and inheritance mode, an automated score was calculated to assess if this variant is too frequent to cause the disease. Based on the score and internal cut-off values, a variant classified as likely benign is not then subjected to further curation. The score for this variant resulted in a classification of likely benign for this disease.

Illumina Laboratory Services, Illumina
Classification: Uncertain significance for Autosomal recessive ataxia, Beauce type. Last evaluated: 2018-01-12. Review status: criteria provided, single submitter. Criteria: ICSL Variant Classification Criteria 13 December 2019. Collection method: clinical testing. Allele origin: germline.

Literature cited by the submitters: PubMed 37813462 (cited by Labcorp Genetics (formerly Invitae), Labcorp).

NM_182961.4(SYNE1):c.18679C>T (p.Arg6227Trp)

Gene: SYNE1 (spectrin repeat containing nuclear envelope protein 1; minus strand). Cytogenetic location: 6q25.2.
Variant type: single nucleotide variant.
Coding change: c.18679C>T on transcript NM_182961.4 (MANE Select); coding-DNA position 18679, C replaced by T.
Protein change: p.Arg6227Trp; replaces arginine 6227 with tryptophan.
Molecular consequence: missense variant.
Genome position (GRCh38, 1-based): chr6:152,269,181, G>A on the plus strand (C>T on the coding strand, the complement: SYNE1 is on the minus strand). VCF-style: chr6-152269181-G-A. GRCh37 (hg19) VCF-style: chr6-152590316-G-A.
Other names: c.18466C>T, p.Arg6156Trp (NM_033071.5); short protein forms R6156W, R6227W.
Identifiers: ClinVar variation 284132 (VCV000284132.56), dbSNP rs201873107, ClinGen allele CA4054891.
Genomic context (GRCh38, chr6:152,269,181, plus strand): 5'-TCTGCAAGCTAGAGAGAGGTAGGAAACACTTTACTTTTTGTTGCTGGAGACTGCTCTGCC[G>A]CTGCTGGGTCCATGTGGTGCGAGCTTGGGCCAGCCATTCCTGGACGCCGGGGCTCTGCGT-3'
Protein context (NP_892006.3, residues 6217-6237): AQARTTWTQQ[Arg6227Trp]QSSLQQQKEL